The following is an entry in ClinVar:

ClinVar aggregate classification (germline): Uncertain significance. Review status: criteria provided, multiple submitters, no conflicts (2 of 4 stars). 2 submissions from 2 submitters: Uncertain significance (2). Last evaluated 2021-08-25.

Conditions:
Inborn genetic diseases. Identifiers: MedGen C0950123, MeSH D030342.
Macrocephaly-developmental delay syndrome (MRT41). Also called: INTELLECTUAL DEVELOPMENTAL DISORDER, AUTOSOMAL RECESSIVE 41. Identifiers: Orphanet 397612, MedGen C3810225, MONDO:0014289, OMIM 615637.

Allele frequency attached by ClinVar (database versions not stated): ESP Exome Variant Server 0.00017; ExAC 0.00020; gnomAD exomes 0.00022 and 0.00038; TOPMed 0.00025; gnomAD 0.00029 and 0.00031.
gnomAD v4.1: 590 of 1,610,266 alleles (0.037%); highest among the groups gnomAD compares: Non-Finnish European, 0.047%; no homozygotes.

Submissions (2):

Labcorp Genetics (formerly Invitae), Labcorp
Classification: Uncertain significance for Macrocephaly-developmental delay syndrome. Last evaluated: 2021-08-25. Review status: criteria provided, single submitter. Criteria: Invitae Variant Classification Sherloc (09022015). Collection method: clinical testing. Allele origin: germline.
Comment: This sequence change replaces glutamic acid with lysine at codon 334 of the KPTN protein (p.Glu334Lys). The glutamic acid residue is highly conserved and there is a small physicochemical difference between glutamic acid and lysine. This variant is present in population databases (rs199899804, ExAC 0.04%). This variant has not been reported in the literature in individuals affected with KPTN-related conditions. Algorithms developed to predict the effect of missense changes on protein structure and function are either unavailable or do not agree on the potential impact of this missense change (SIFT: "Deleterious"; PolyPhen-2: "Possibly Damaging"; Align-GVGD: "Class C0"). In summary, the available evidence is currently insufficient to determine the role of this variant in disease. Therefore, it has been classified as a Variant of Uncertain Significance.

Ambry Genetics
Classification: Uncertain significance for Inborn genetic diseases. Last evaluated: 2021-06-03. Review status: criteria provided, single submitter. Criteria: Ambry Variant Classification Scheme 2023. Collection method: clinical testing. Allele origin: germline.

NM_007059.4(KPTN):c.1000G>A (p.Glu334Lys)

Gene: KPTN (kaptin, actin binding protein; minus strand). Cytogenetic location: 19q13.32.
Variant type: single nucleotide variant.
Coding change: c.1000G>A on transcript NM_007059.4 (MANE Select); coding-DNA position 1000, G replaced by A.
Protein change: p.Glu334Lys; replaces glutamic acid 334 with lysine.
Molecular consequence: missense variant. On other transcripts: non-coding transcript variant (1).
Genome position (GRCh38, 1-based): chr19:47,476,714, C>T on the plus strand (G>A on the coding strand, the complement: KPTN is on the minus strand). VCF-style: chr19-47476714-C-T. GRCh37 (hg19) VCF-style: chr19-47979971-C-T.
Other names: c.832G>A, p.Glu278Lys (NM_001291296.2); c.1000G>A (NM_007059.2); short protein forms E334K, E278K.
Identifiers: ClinVar variation 846171 (VCV000846171.7), dbSNP rs199899804, ClinGen allele CA9540239.